The following is an entry in ClinVar:

NM_001024630.4(RUNX2):c.860-1G>T

Gene: RUNX2 (RUNX family transcription factor 2; plus strand). Cytogenetic location: 6p21.1.
Variant type: single nucleotide variant.
Coding change: c.860-1G>T on transcript NM_001024630.4 (MANE Select); the canonical splice acceptor site of the intron before coding-DNA position 860, G replaced by T.
Molecular consequence: splice acceptor variant.
Genome position (GRCh38, 1-based): chr6:45,512,245, G>T. VCF-style: chr6-45512245-G-T. GRCh37 (hg19) VCF-style: chr6-45479982-G-T.
Other names: c.860-1G>T (NM_001015051.4); c.818-1G>T (NM_001369405.1, NM_001278478.2).
Identifiers: ClinVar variation 1066085 (VCV001066085.29), dbSNP rs2150421181, ClinGen allele CA363955825.

ClinVar aggregate classification (germline): Pathogenic/Likely pathogenic. Review status: criteria provided, multiple submitters, no conflicts (2 of 4 stars). 2 submissions from 2 submitters: Pathogenic (1); Likely pathogenic (1). Last evaluated 2024-02-01.

Submissions (2):

CeGaT Center for Human Genetics Tuebingen
Classification: Pathogenic. Last evaluated: 2024-02-01. Review status: criteria provided, single submitter. Criteria: CeGaT Center For Human Genetics Tuebingen Variant Classification Criteria Version 2. Collection method: clinical testing. Allele origin: germline. Affected: yes. Observed: 1 variant allele.
Comment: RUNX2: PVS1, PM2, PP4

Labcorp Genetics (formerly Invitae), Labcorp
Classification: Likely pathogenic. Last evaluated: 2023-11-27. Review status: criteria provided, single submitter. Criteria: Invitae Variant Classification Sherloc (09022015). Collection method: clinical testing. Allele origin: germline.
Comment: This sequence change affects an acceptor splice site in intron 6 of the RUNX2 gene. It is expected to disrupt RNA splicing. Variants that disrupt the donor or acceptor splice site typically lead to a loss of protein function (PMID: 16199547), and loss-of-function variants in RUNX2 are known to be pathogenic (PMID: 10521292, 11857736). This variant is not present in population databases (gnomAD no frequency). This variant has not been reported in the literature in individuals affected with RUNX2-related conditions. ClinVar contains an entry for this variant (Variation ID: 1066085). Algorithms developed to predict the effect of sequence changes on RNA splicing suggest that this variant may disrupt the consensus splice site. In summary, the currently available evidence indicates that the variant is pathogenic, but additional data are needed to prove that conclusively. Therefore, this variant has been classified as Likely Pathogenic.

Literature cited by the submitters: PubMed 16199547 (cited by Labcorp Genetics (formerly Invitae), Labcorp); PubMed 10521292 (cited by Labcorp Genetics (formerly Invitae), Labcorp); PubMed 11857736 (cited by Labcorp Genetics (formerly Invitae), Labcorp).